The following is an entry in ClinVar:

NM_017654.4(SAMD9):c.2161T>C (p.Cys721Arg)

Gene: SAMD9 (sterile alpha motif domain containing 9; minus strand). Cytogenetic location: 7q21.2.
Variant type: single nucleotide variant.
Coding change: c.2161T>C on transcript NM_017654.4 (MANE Select); coding-DNA position 2161, T replaced by C.
Protein change: p.Cys721Arg; replaces cysteine 721 with arginine.
Molecular consequence: missense variant.
Genome position (GRCh38, 1-based): chr7:93,103,937, A>G on the plus strand (T>C on the coding strand, the complement: SAMD9 is on the minus strand). VCF-style: chr7-93103937-A-G. GRCh37 (hg19) VCF-style: chr7-92733250-A-G.
Other names: c.2161T>C, p.Cys721Arg (NM_001193307.2); short protein forms C721R.
Identifiers: ClinVar variation 2579478 (VCV002579478.3), dbSNP rs773420311, ClinGen allele CA4342880.

ClinVar aggregate classification (germline): Uncertain significance. Review status: criteria provided, multiple submitters, no conflicts (2 of 4 stars). 3 submissions from 3 submitters: Uncertain significance (3). Last evaluated 2025-03-02.

Conditions:
Inborn genetic diseases. Identifiers: MedGen C0950123, MeSH D030342.

Allele frequency attached by ClinVar (database versions not stated): TOPMed below 0.00001; ExAC 0.00001; gnomAD exomes below 0.00001.
gnomAD v4.1: 3 of 1,613,440 alleles (0.00019%); highest among the groups gnomAD compares: Middle Eastern, 0.016%; no homozygotes.

Submissions (3):

Ambry Genetics
Classification: Uncertain significance for Inborn genetic diseases. Last evaluated: 2025-03-02. Review status: criteria provided, single submitter. Criteria: Ambry Variant Classification Scheme 2023. Collection method: clinical testing. Allele origin: germline.
Comment: The p.C721R variant (also known as c.2161T>C), located in coding exon 1 of the SAMD9 gene, results from a T to C substitution at nucleotide position 2161. The cysteine at codon 721 is replaced by arginine, an amino acid with highly dissimilar properties. This amino acid position is conserved. In addition, this alteration is predicted to be tolerated by in silico analysis. Based on the available evidence, the clinical significance of this variant remains unclear.

Revvity Omics, Revvity
Classification: Uncertain significance. Last evaluated: 2024-05-30. Review status: criteria provided, single submitter. Criteria: ACMG Guidelines, 2015. Collection method: clinical testing. Allele origin: germline.

GeneDx
Classification: Uncertain significance. Last evaluated: 2023-03-06. Review status: criteria provided, single submitter. Criteria: GeneDx Variant Classification Process June 2021. Collection method: clinical testing. Allele origin: germline. Affected: yes.
Comment: Not observed at significant frequency in large population cohorts (gnomAD); In silico analysis supports that this missense variant does not alter protein structure/function; Has not been previously published as pathogenic or benign to our knowledge; This variant is associated with the following publications: (PMID: 28545555)